The following is an entry in ClinVar:

NM_000088.4(COL1A1):c.4196G>A (p.Arg1399His)

Gene: COL1A1 (collagen type I alpha 1 chain; minus strand). Cytogenetic location: 17q21.33.
Variant type: single nucleotide variant.
Coding change: c.4196G>A on transcript NM_000088.4 (MANE Select); coding-DNA position 4196, G replaced by A.
Protein change: p.Arg1399His; replaces arginine 1399 with histidine.
Molecular consequence: missense variant.
Genome position (GRCh38, 1-based): chr17:50,185,830, C>T on the plus strand (G>A on the coding strand, the complement: COL1A1 is on the minus strand). VCF-style: chr17-50185830-C-T. GRCh37 (hg19) VCF-style: chr17-48263191-C-T.
Other names: short protein forms R1399H.
Identifiers: ClinVar variation 450185 (VCV000450185.19), dbSNP rs146035171, ClinGen allele CA8644235.

ClinVar aggregate classification (germline): Conflicting classifications of pathogenicity. Review status: criteria provided, conflicting classifications (1 of 4 stars). 7 submissions from 6 submitters: Uncertain significance (5); Benign (1); Likely benign (1). Last evaluated 2026-01-26.

Conditions:
Osteogenesis imperfecta, perinatal lethal (OI2). Also called: OI, TYPE II; OSTEOGENESIS IMPERFECTA CONGENITA; VROLIK TYPE OF OSTEOGENESIS IMPERFECTA; OSTEOGENESIS IMPERFECTA, TYPE II; Osteogenesis imperfecta, dominant perinatal lethal; Osteogenesis imperfecta type 2. Identifiers: Orphanet 216804, MedGen C0268358, MONDO:0008147, OMIM 166210.
Osteogenesis imperfecta type III (OI3). Also called: Progressively Deforming Osteogenesis Imperfecta; Osteogenesis imperfecta type 3; OI type 3; Osteogenesis imperfecta, progressively deforming with normal sclerae; OI type III. Identifiers: Orphanet 216812, Orphanet 666, MedGen C0268362, MONDO:0009804, OMIM 259420.
Osteoporosis. Identifiers: MedGen C0029456, MONDO:0005298, OMIM 166710, HP:0000939.
Ehlers-Danlos syndrome, arthrochalasia type. Also called: Ehlers-Danlos syndrome, arthrochalasia type, 1; ARTHROCHALASIS MULTIPLEX CONGENITA; EDS VII, MUTANT PROCOLLAGEN TYPE; EDS VIIA; Ehlers-Danlos syndrome, arthrochalasis type. Identifiers: Orphanet 1899, Orphanet 99875, Orphanet 99876, MedGen C4551623, MONDO:0007525, OMIM 130060.
Combined osteogenesis imperfecta and Ehlers-Danlos syndrome 1. Also called: OIEDS SYNDROME 1. Identifiers: MedGen C5436842, MONDO:0030854, OMIM 619115.
Infantile cortical hyperostosis. Also called: Hyperostosis, Cortical, Congenital; P1PK BLOOD GROUP SYSTEM, P(2) PHENOTYPE; Caffey Disease. Identifiers: Orphanet 1310, MedGen C0020497, MONDO:0007244, OMIM 114000.
Osteogenesis imperfecta with normal sclerae, dominant form (OI4). Also called: OSTEOGENESIS IMPERFECTA WITH NORMAL SCLERAE; Osteogenesis imperfecta type 4; OSTEOGENESIS IMPERFECTA, TYPE IV, WITH DENTINOGENESIS IMPERFECTA; Common Variable Osteogenesis Imperfecta with Normal Sclerae; Osteogenesis Imperfecta Type IV. Identifiers: Orphanet 216820, Orphanet 666, MedGen C0268363, MONDO:0008148, OMIM 166220.
Osteogenesis imperfecta type I (OI1). Also called: OI, TYPE I; OSTEOGENESIS IMPERFECTA TARDA; OSTEOGENESIS IMPERFECTA WITH BLUE SCLERAE; Osteogenesis imperfecta type 1; Classic Non-deforming Osteogenesis Imperfecta with Blue Sclerae; Lobstein's Disease. Identifiers: Orphanet 216796, Orphanet 666, MedGen C0023931, MONDO:0008146, OMIM 166200. Disease mechanism: loss of function.
COL1A1-related disorder. Also called: COL1A1-related condition; COL1A1- related disease.
Cardiovascular phenotype. Identifiers: MedGen CN230736.
Postmenopausal osteoporosis. Also called: OSTEOPOROSIS, INVOLUTIONAL; BONE MINERAL DENSITY QUANTITATIVE TRAIT LOCUS. Identifiers: MedGen C0029458, MONDO:0008159.

Allele frequency attached by ClinVar (database versions not stated): ExAC 0.00002; gnomAD exomes 0.00002 and 0.00007; gnomAD 0.00004; TOPMed 0.00005; ESP Exome Variant Server 0.00008.
gnomAD v4.1: 102 of 1,613,904 alleles (0.0063%); highest among the groups gnomAD compares: Non-Finnish European, 0.0074%; no homozygotes.

Submissions (7):

Ambry Genetics
Classification: Uncertain significance for Cardiovascular phenotype. Last evaluated: 2026-01-26. Review status: criteria provided, single submitter. Criteria: Ambry Variant Classification Scheme 2023. Collection method: clinical testing. Allele origin: germline.

Labcorp Genetics (formerly Invitae), Labcorp
Classification: Benign for Osteogenesis imperfecta type I. Last evaluated: 2025-12-19. Review status: criteria provided, single submitter. Criteria: Invitae Variant Classification Sherloc (09022015). Collection method: clinical testing. Allele origin: germline.

GeneDx
Classification: Uncertain significance. Last evaluated: 2024-12-26. Review status: criteria provided, single submitter. Criteria: GeneDx Variant Classification Process June 2021. Collection method: clinical testing. Allele origin: germline. Affected: yes.
Comment: Has not been previously published as pathogenic or benign to our knowledge; In silico analysis supports that this missense variant has a deleterious effect on protein structure/function; Not located in the triple helical region, where the majority of pathogenic missense variants occur (HGMD)

PreventionGenetics, part of Exact Sciences
Classification: Likely benign for COL1A1-related condition. Last evaluated: 2024-11-26. Review status: criteria provided, single submitter. Criteria: ACMG Guidelines, 2015. Collection method: clinical testing. Allele origin: germline.
Comment: This variant is classified as likely benign based on ACMG/AMP sequence variant interpretation guidelines (Richards et al. 2015 PMID: 25741868, with internal and published modifications).

Fulgent Genetics
Classification: Uncertain significance for Infantile cortical hyperostosis; Ehlers-Danlos syndrome, arthrochalasia type; Osteogenesis imperfecta type I; Osteogenesis imperfecta, perinatal lethal; Osteogenesis imperfecta with normal sclerae, dominant form; Osteoporosis; Osteogenesis imperfecta type III; Combined osteogenesis imperfecta and Ehlers-Danlos syndrome 1. Last evaluated: 2024-01-23. Review status: criteria provided, single submitter. Criteria: ACMG Guidelines, 2015. Collection method: clinical testing. Allele origin: germline.

Johns Hopkins Genomics, Johns Hopkins University
Classification: Uncertain significance. Last evaluated: 2023-01-20. Review status: criteria provided, single submitter. Criteria: ACMG Guidelines, 2015. Collection method: clinical testing. Allele origin: germline.
Comment: This COl1A1 missense variant (rs146035171 ) is rare (<0.1%) in a large population dataset (gnomAD v2.1.1: 8/282306 total alleles; 0.003%; no homozygotes). It has been reported in ClinVar (Variation ID 450185), but to our knowledge, has not been reported in individuals with COL1A1-related disorders in the literature. Two bioinformatic tools queried predict that this substitution would be damaging, but these algorithms have low specificity, especially for predicting gain of function or dominant negative variants. The arginine residue at this position is evolutionarily conserved across most of the species assessed. We consider the clinical significance of c.4196G>A;p.Arg1399His in COL1A1 to be uncertain at this time.

Fulgent Genetics
Classification: Uncertain significance for Infantile cortical hyperostosis; Ehlers-Danlos syndrome, arthrochalasia type; Osteogenesis imperfecta type I; Osteogenesis imperfecta, perinatal lethal; Osteogenesis imperfecta with normal sclerae, dominant form; Osteoporosis; Osteogenesis imperfecta type III. Last evaluated: 2018-10-31. Review status: criteria provided, single submitter. Criteria: ACMG Guidelines, 2015. Collection method: clinical testing. Allele origin: unknown.

Literature cited by the submitters: PubMed 32166892 (cited by Johns Hopkins Genomics, Johns Hopkins University).